The following is an entry in ClinVar:

ClinVar aggregate classification (germline): Likely benign (1 of 4 stars; one submission).

Submission:

GeneDx
Classification: Likely benign. Last evaluated: 2018-06-14. Review status: criteria provided, single submitter. Criteria: GeneDx Variant Classification (06012015). Collection method: clinical testing. Allele origin: germline. Affected: yes.
Comment: This variant is considered likely benign or benign based on one or more of the following criteria: it is a conservative change, it occurs at a poorly conserved position in the protein, it is predicted to be benign by multiple in silico algorithms, and/or has population frequency not consistent with disease.

NM_001613.4(ACTA2):c.616+192_616+194del

Gene: ACTA2 (actin alpha 2, smooth muscle; minus strand). Cytogenetic location: 10q23.31.
Variant type: Microsatellite.
Coding change: c.616+192_616+194del on transcript NM_001613.4 (MANE Select); bases 192 to 194 of the intron after coding-DNA position 616, 3 bases deleted (GAG; older notation c.616+192_616+194delGAG).
Molecular consequence: intron variant.
Genome position (GRCh38, 1-based): chr10:88,941,035-88,941,037, CTC deleted on the plus strand (GAG on the coding strand, the reverse complement: ACTA2 is on the minus strand); deleting any 3 consecutive bases within chr10:88,941,035-88,941,040 gives the same sequence; the c. name uses the placement nearest the transcript's 3' end. VCF-style (leftmost placement, unchanged base first): chr10-88941034-TCTC-T. GRCh37 (hg19) VCF-style: chr10-90700791-TCTC-T.
Other names: c.487+192_487+194del (NM_001406467.1, NM_001406468.1, NM_001406469.1); c.616+192_616+194del (NM_001320855.2, NM_001406462.1, NM_001406471.1 and 3 more transcripts); c.505+192_505+194del (NM_001406466.1).
Identifiers: ClinVar variation 674575 (VCV000674575.3), dbSNP rs139391282, ClinGen allele CA211319730.
Genomic context (GRCh38, chr10:88,941,034, plus strand): 5'-TTAAAAAAAGATCAATTATACAACACTGACTAATGCATAACACTGGGTGTCTATAACTGT[TCTC>T]CTCAAGGAAATAGTGTAATCATTTTGCAACTTCACACAGCAAAGAAAGATGTGCTTTGCT-3'